The following is an entry in ClinVar:

NC_000019.10:g.(?_18167110)_(18169314_?)dup

Gene: PIK3R2 (phosphoinositide-3-kinase regulatory subunit 2; plus strand). Cytogenetic location: 19p13.11.
Variant type: Duplication.
Identifiers: ClinVar variation 831457 (VCV000831457.5).

ClinVar aggregate classification (germline): Uncertain significance (1 of 4 stars; one submission).

Conditions:
Megalencephaly-polymicrogyria-polydactyly-hydrocephalus syndrome 1 (MPPH1). Also called: MEGALENCEPHALY, MEGA CORPUS CALLOSUM, AND COMPLETE LACK OF MOTOR DEVELOPMENT; MEGALENCEPHALY, POLYMICROGYRIA, MEGA CORPUS CALLOSUM SYNDROME. Identifiers: Orphanet 83473, MedGen C4012727, MONDO:0011313, OMIM 603387.

Submission:

Labcorp Genetics (formerly Invitae), Labcorp
Classification: Uncertain significance for Megalencephaly-polymicrogyria-polydactyly-hydrocephalus syndrome 1. Last evaluated: 2019-11-20. Review status: criteria provided, single submitter. Criteria: Invitae Variant Classification Sherloc (09022015). Collection method: clinical testing. Allele origin: germline.
Comment: In summary, the available evidence is currently insufficient to determine the role of this variant in disease. Therefore, it has been classified as a Variant of Uncertain Significance. This variant has not been reported in the literature in individuals with PIK3R2-related conditions. This variant results in a copy number gain of the genomic region encompassing exons 13-16 of the PIK3R2 gene. The 5' boundary is likely confined to intron 12. The 3' end of this event is unknown as it extends beyond the assayed region for this gene and therefore may encompass additional genes. As the precise location of this event is unknown, it may be in tandem or it may be located elsewhere in the genome.